The following is an entry in ClinVar:

NM_000135.4(FANCA):c.2852G>A (p.Arg951Gln)

Gene: FANCA (FA complementation group A; minus strand). Cytogenetic location: 16q24.3.
Variant type: single nucleotide variant.
Coding change: c.2852G>A on transcript NM_000135.4 (MANE Select); coding-DNA position 2852, G replaced by A.
Protein change: p.Arg951Gln; replaces arginine 951 with glutamine.
Molecular consequence: missense variant.
Genome position (GRCh38, 1-based): chr16:89,761,949, C>T on the plus strand (G>A on the coding strand, the complement: FANCA is on the minus strand). VCF-style: chr16-89761949-C-T. GRCh37 (hg19) VCF-style: chr16-89828357-C-T.
Other names: c.2852G>A, p.Arg951Gln (NM_001286167.3); c.2852G>A (NM_000135.3); short protein forms R951Q.
Identifiers: ClinVar variation 526433 (VCV000526433.66), dbSNP rs755922289, ClinGen allele CA8251481.
Genomic context (GRCh38, chr16:89,761,949, plus strand): 5'-TGCTGGGATTATAGGTGTGAGCCATCATGCCTGGCCAGGGTAGCTCTTTTCAACACTTAC[C>T]GTTCAGTATCTGAAAGAGCATCAGCTTCAGGTTGAATTTCCAGCTCCAGGTGTAACCAGT-3'
Protein context (NP_000126.2, residues 941-961): PEADALSDTE[Arg951Gln]QDFHQWAIHE

ClinVar aggregate classification (germline): Pathogenic/Likely pathogenic. Review status: criteria provided, multiple submitters, no conflicts (2 of 4 stars). 13 submissions from 13 submitters: Pathogenic (8); Likely pathogenic (1). 4 of the submissions do not count toward it. Last evaluated 2026-02-01.

Conditions:
Fanconi anemia complementation group A (FANCA). Also called: Fanconi anemia, group A; FANCA-Related Fanconi Anemia. Identifiers: Orphanet 84, MedGen C3469521, MONDO:0009215, OMIM 227650.
FANCA-related disorders.
Fanconi anemia (FA). Also called: Fanconi's anemia. Identifiers: Orphanet 84, MedGen C0015625, MeSH D005199, MONDO:0019391.

Allele frequency attached by ClinVar (database versions not stated): ExAC 0.00005; gnomAD exomes 0.00005 and 0.00011; TOPMed 0.00009; gnomAD 0.00013.
gnomAD v4.1: 168 of 1,613,314 alleles (0.01%); highest among the groups gnomAD compares: Non-Finnish European, 0.014%; no homozygotes.

Submissions (13):

Labcorp Genetics (formerly Invitae), Labcorp
Classification: Pathogenic for Fanconi anemia. Last evaluated: 2026-02-01. Review status: criteria provided, single submitter. Criteria: Invitae Variant Classification Sherloc (09022015). Collection method: clinical testing. Allele origin: germline.
Comment: This sequence change replaces arginine, which is basic and polar, with glutamine, which is neutral and polar, at codon 951 of the FANCA protein (p.Arg951Gln). This variant also falls at the last nucleotide of exon 29, which is part of the consensus splice site for this exon. This variant is present in population databases (rs755922289, gnomAD 0.01%). This missense change has been observed in individual(s) with Fanconi anemia (PMID: 17924555, 22778927, 24584348). In at least one individual the data is consistent with being in trans (on the opposite chromosome) from a pathogenic variant. ClinVar contains an entry for this variant (Variation ID: 526433). Invitae Evidence Modeling of protein sequence and biophysical properties (such as structural, functional, and spatial information, amino acid conservation, physicochemical variation, residue mobility, and thermodynamic stability) has been performed for this missense variant. However, the output from this modeling did not meet the statistical confidence thresholds required to predict the impact of this variant on FANCA protein function. Experimental studies have shown that this missense change affects FANCA function (PMID: 12697994). Variants that disrupt the consensus splice site are a relatively common cause of aberrant splicing (PMID: 17576681, 9536098). This variant disrupts the p.Arg951 amino acid residue in FANCA. Other variant(s) that disrupt this residue have been determined to be pathogenic (PMID: 17924555, 22778927, 24349332, 24584348, 26799702). This suggests that this residue is clinically significant, and that variants that disrupt this residue are likely to be disease-causing. For these reasons, this variant has been classified as Pathogenic.

Dasa
Classification: Pathogenic. Last evaluated: 2025-11-21. Review status: criteria provided, single submitter. Criteria: DASA Assertion Criteria. Collection method: clinical testing. Allele origin: germline.
Comment: NM_000135.4(FANCA):c.2852G>A (p.Arg951Gln) is a missense variant that results in the substitution of arginine with glutamine. The affected residue or protein region has prior evidence supporting clinical relevance. This variant has been observed in affected individuals with related phenotype in a genotype context consistent with recessive disease (PMID: 12697994; PMID: 29269525; PMID: 28973083; PMID: 17924555; PMID: 22778927). Functional evidence supports a deleterious effect on the gene or gene product (PMID: 12697994; PMID: 29269525; PMID: 28973083; PMID: 17924555; PMID: 22778927). This variant has been recurrently observed in individuals with related phenotype (PMID: 12697994; PMID: 29269525; PMID: 28973083; PMID: 17924555; PMID: 22778927). Multiple computational predictions support a deleterious effect on the gene or gene product. The variant is present at low frequency in population datasets. Based on the available data, this variant is classified as pathogenic.

Natera, Inc.
Classification: Pathogenic for Fanconi anemia. Last evaluated: 2025-02-10. Review status: criteria provided, single submitter. Criteria: Natera Variant Classification Schema (03/2026). Collection method: clinical testing. Allele origin: germline.
Comment: The c.2852G>A variant in FANCA is a missense variant predicted to cause substitution of arginine to glutamine at amino acid 951. This variant is rare in the general population with a frequency below the threshold expected for the associated phenotype(s). This variant has been observed in one or more individuals affected with the associated recessive disease, as either homozygous or compound heterozygous with a second variant (PMID: 24584348). Computational prediction algorithms indicate this variant is likely to affect gene or protein function. Given the available evidence, this variant is classified as Pathogenic.

Blueprint Genetics
Classification: Pathogenic for FANCA-related disorders. Last evaluated: 2024-05-29. Review status: criteria provided, single submitter. Criteria: ACMG Guidelines, 2015. Collection method: clinical testing. Allele origin: germline. Affected: yes. Observed: 4 variant alleles.

Baylor Genetics
Classification: Pathogenic for Fanconi anemia complementation group A. Last evaluated: 2024-03-19. Review status: criteria provided, single submitter. Criteria: ACMG Guidelines, 2015. Collection method: clinical testing. Allele origin: unknown.

GeneDx
Classification: Pathogenic. Last evaluated: 2022-10-08. Review status: criteria provided, single submitter. Criteria: GeneDx Variant Classification Process June 2021. Collection method: clinical testing. Allele origin: germline. Affected: yes.
Comment: Published functional studies demonstrate a damaging effect: retention in the cytoplasm preventing cells from repairing DNA (Bottega et al,. 2018); In silico analysis supports that this missense variant has a deleterious effect on protein structure/function; This variant is associated with the following publications: (PMID: 24584348, 28102861, 25525159, 17924555, 12697994, 11063725, 22778927, 32054657, 28973083, 29269525)

Fulgent Genetics
Classification: Pathogenic for Fanconi anemia complementation group A. Last evaluated: 2022-04-26. Review status: criteria provided, single submitter. Criteria: ACMG Guidelines, 2015. Collection method: clinical testing. Allele origin: unknown.

CeGaT Center for Human Genetics Tuebingen
Classification: Pathogenic. Last evaluated: 2021-09-01. Review status: criteria provided, single submitter. Criteria: CeGaT Center For Human Genetics Tuebingen Variant Classification Criteria Version 2. Collection method: clinical testing. Allele origin: germline. Affected: yes. Observed: 1 variant allele.

Genetic Services Laboratory, University of Chicago
Classification: Likely pathogenic. Last evaluated: 2020-02-14. Review status: criteria provided, single submitter. Criteria: ACMG Guidelines, 2015. Collection method: clinical testing. Allele origin: germline. Affected: yes.
Comment: The sequence change, c.2852G>A, in exon 29 results in an amino acid change, p.Arg951Gln. This sequence change has been described in the gnomAD database with a low population frequency of 0.01% in European sub-population (dbSNP rs755922289). The p.Arg951Gln change affects a highly conserved amino acid residue located in a domain of the FANCA protein that is not known to be functional. The p.Arg951Gln substitution appears to be deleterious using several in-silico pathogenicity prediction tools (SIFT, PolyPhen2, Align GVGD, REVEL). The p.Arg951Gln change has been reported in several individuals with Fanconi anemia (PMID: 17924555, 22778927, 24584348). In one of these individuals, this sequence change was shown to be in trans with a different pathogenic sequence change (PMID: 24584348). A different pathogenic sequence change affecting the same amino acid residue, p.Arg951Trp, has also been described in patients with FANCA-related disorders (PMID: 22778927, 17924555, 24584348, 26799702, 17924555, 24584348, 24349332). Functional studies have demonstrated disrupted protein function in the presence of the p.Arg951Gln change (PMID: 12697994). These collective evidences indicate that this sequence change is likely pathogenic.

Counsyl
Classification: Likely pathogenic for Fanconi anemia complementation group A. Last evaluated: 2017-04-24. Review status: no assertion criteria provided. Collection method: clinical testing. Allele origin: unknown. Not counted in ClinVar's aggregate classification.

GeneReviews
No classification provided. Condition: Fanconi anemia complementation group A. Review status: no classification provided. Collection method: literature only. Allele origin: germline. Not counted in ClinVar's aggregate classification.
Comment: Associated with slower hematologic disease progression

Genome Diagnostics Laboratory, Amsterdam University Medical Center
Classification: Likely pathogenic. Review status: no assertion criteria provided. Collection method: clinical testing. Allele origin: germline. Affected: yes. Study: VKGL Data-share Consensus. Not counted in ClinVar's aggregate classification.

Joint Genome Diagnostic Labs from Nijmegen and Maastricht, Radboudumc and MUMC+
Classification: Pathogenic. Review status: no assertion criteria provided. Collection method: clinical testing. Allele origin: germline. Affected: yes. Study: VKGL Data-share Consensus. Not counted in ClinVar's aggregate classification.

Literature cited by the submitters: PubMed 17924555 (cited by 3 submitters); PubMed 22778927 (cited by 3 submitters); PubMed 24584348 (cited by 4 submitters); PubMed 12697994 (cited by 3 submitters); PubMed 17576681 (cited by Labcorp Genetics (formerly Invitae), Labcorp); PubMed 9536098 (cited by Labcorp Genetics (formerly Invitae), Labcorp); PubMed 24349332 (cited by Labcorp Genetics (formerly Invitae), Labcorp); PubMed 26799702 (cited by Labcorp Genetics (formerly Invitae), Labcorp); PubMed 29269525 (cited by Dasa and GeneReviews); PubMed 28973083 (cited by Dasa); PubMed 11063725 (cited by Counsyl); PubMed 25525159 (cited by Counsyl); PubMed 20301575 (cited by GeneReviews).